The following is an entry in ClinVar:

NM_001289104.2(PRKCSH):c.878C>T (p.Ser293Phe)

Gene: PRKCSH (PRKCSH beta subunit of glucosidase II; plus strand). Cytogenetic location: 19p13.2.
Variant type: single nucleotide variant.
Coding change: c.878C>T on transcript NM_001289104.2 (MANE Select); coding-DNA position 878, C replaced by T.
Protein change: p.Ser293Phe; replaces serine 293 with phenylalanine.
Molecular consequence: missense variant.
Genome position (GRCh38, 1-based): chr19:11,447,467, C>T. VCF-style: chr19-11447467-C-T. GRCh37 (hg19) VCF-style: chr19-11558282-C-T.
Other names: c.878C>T, p.Ser293Phe (NM_001001329.3, NM_001289102.2, NM_001289103.2 and 3 more transcripts); short protein forms S293F.
Identifiers: ClinVar variation 3677357 (VCV003677357.2).

ClinVar aggregate classification (germline): Uncertain significance (1 of 4 stars; one submission).

gnomAD v4.1: 2 of 1,614,080 alleles (0.00012%); highest among the groups gnomAD compares: Non-Finnish European, 0.000085%; no homozygotes.

Submission:

Labcorp Genetics (formerly Invitae), Labcorp
Classification: Uncertain significance. Last evaluated: 2025-03-26. Review status: criteria provided, single submitter. Criteria: Invitae Variant Classification Sherloc (09022015). Collection method: clinical testing. Allele origin: germline.
Comment: This sequence change replaces serine, which is neutral and polar, with phenylalanine, which is neutral and non-polar, at codon 293 of the PRKCSH protein (p.Ser293Phe). This variant is present in population databases (rs769813784, gnomAD 0.005%). This variant has not been reported in the literature in individuals affected with PRKCSH-related conditions. An algorithm developed to predict the effect of missense changes on protein structure and function (PolyPhen-2) suggests that this variant is likely to be tolerated. In summary, the available evidence is currently insufficient to determine the role of this variant in disease. Therefore, it has been classified as a Variant of Uncertain Significance.